The following is an entry in ClinVar:

ClinVar aggregate classification (germline): Uncertain significance (1 of 4 stars; one submission).

Conditions:
Inborn genetic diseases. Identifiers: MedGen C0950123, MeSH D030342.

Submission:

Ambry Genetics
Classification: Uncertain significance for Inborn genetic diseases. Last evaluated: 2023-12-01. Review status: criteria provided, single submitter. Criteria: Ambry Variant Classification Scheme 2023. Collection method: clinical testing. Allele origin: germline.
Comment: The p.S797F variant (also known as c.2390C>T), located in coding exon 19 of the BUB1B gene, results from a C to T substitution at nucleotide position 2390. The serine at codon 797 is replaced by phenylalanine, an amino acid with highly dissimilar properties. This amino acid position is conserved. In addition, this alteration is predicted to be tolerated by in silico analysis. Since supporting evidence is limited at this time, the clinical significance of this alteration remains unclear.

NM_001211.6(BUB1B):c.2390C>T (p.Ser797Phe)

Gene: BUB1B (BUB1 mitotic checkpoint serine/threonine kinase B; plus strand). Cytogenetic location: 15q15.1.
Variant type: single nucleotide variant.
Coding change: c.2390C>T on transcript NM_001211.6 (MANE Select); coding-DNA position 2390, C replaced by T.
Protein change: p.Ser797Phe; replaces serine 797 with phenylalanine.
Molecular consequence: missense variant.
Genome position (GRCh38, 1-based): chr15:40,212,503, C>T. VCF-style: chr15-40212503-C-T. GRCh37 (hg19) VCF-style: chr15-40504704-C-T.
Other names: short protein forms S797F.
Identifiers: ClinVar variation 3221384 (VCV003221384.1), dbSNP rs2542575250, ClinGen allele CA391695106.